The following is an entry in ClinVar:

ClinVar aggregate classification (germline): Conflicting classifications of pathogenicity. Review status: criteria provided, conflicting classifications (1 of 4 stars). 2 submissions from 2 submitters: Uncertain significance (1); Likely benign (1). Last evaluated 2025-01-07.

Allele frequency attached by ClinVar (database versions not stated): 1000 Genomes Project 0.00020; ESP Exome Variant Server 0.00008; 1000 Genomes Project 30x 0.00016.
gnomAD v4.1: 43 of 1,614,018 alleles (0.0027%); highest among the groups gnomAD compares: African/African-American, 0.047%; no homozygotes.

Submissions (2):

Ambry Genetics
Classification: Likely benign. Last evaluated: 2025-01-07. Review status: criteria provided, single submitter. Criteria: Ambry Variant Classification Scheme 2023. Collection method: clinical testing. Allele origin: germline.

Labcorp Genetics (formerly Invitae), Labcorp
Classification: Uncertain significance. Last evaluated: 2022-08-31. Review status: criteria provided, single submitter. Criteria: Invitae Variant Classification Sherloc (09022015). Collection method: clinical testing. Allele origin: germline.
Comment: In summary, the available evidence is currently insufficient to determine the role of this variant in disease. Therefore, it has been classified as a Variant of Uncertain Significance. Algorithms developed to predict the effect of missense changes on protein structure and function output the following: SIFT: "Tolerated"; PolyPhen-2: "Benign"; Align-GVGD: "Class C0". The glutamic acid amino acid residue is found in multiple mammalian species, which suggests that this missense change does not adversely affect protein function. This variant has not been reported in the literature in individuals affected with CLUAP1-related conditions. This variant is present in population databases (rs377189683, gnomAD 0.05%). This sequence change replaces aspartic acid, which is acidic and polar, with glutamic acid, which is acidic and polar, at codon 379 of the CLUAP1 protein (p.Asp379Glu).

NM_015041.3(CLUAP1):c.1137C>G (p.Asp379Glu)

Gene: CLUAP1 (clusterin associated protein 1; plus strand). Cytogenetic location: 16p13.3.
Variant type: single nucleotide variant.
Coding change: c.1137C>G on transcript NM_015041.3 (MANE Select); coding-DNA position 1137, C replaced by G.
Protein change: p.Asp379Glu; replaces aspartic acid 379 with glutamic acid.
Molecular consequence: missense variant.
Genome position (GRCh38, 1-based): chr16:3,536,166, C>G. VCF-style: chr16-3536166-C-G. GRCh37 (hg19) VCF-style: chr16-3586166-C-G.
Other names: c.1194C>G, p.Asp398Glu (NM_001330454.2); c.639C>G, p.Asp213Glu (NM_024793.3); c.1137C>G (NM_015041.1); short protein forms D213E, D398E, D379E.
Identifiers: ClinVar variation 2065986 (VCV002065986.5), dbSNP rs377189683, ClinGen allele CA7864053.